The following is an entry in ClinVar:

NM_001170629.2(CHD8):c.412G>C (p.Val138Leu)

Gene: CHD8 (chromodomain helicase DNA binding protein 8; minus strand). Cytogenetic location: 14q11.2.
Variant type: single nucleotide variant.
Coding change: c.412G>C on transcript NM_001170629.2 (MANE Select); coding-DNA position 412, G replaced by C.
Protein change: p.Val138Leu; replaces valine 138 with leucine.
Molecular consequence: missense variant. On other transcripts: intron variant (1).
Genome position (GRCh38, 1-based): chr14:21,431,232, C>G on the plus strand (G>C on the coding strand, the complement: CHD8 is on the minus strand). VCF-style: chr14-21431232-C-G. GRCh37 (hg19) VCF-style: chr14-21899391-C-G.
Other names: c.6+579G>C (NM_020920.4); short protein forms V138L.
Identifiers: ClinVar variation 1029212 (VCV001029212.6), dbSNP rs767023297, ClinGen allele CA7091958.
Genomic context (GRCh38, chr14:21,431,232, plus strand): 5'-TAGGGGCTGACTGAGGTGGCTGCCCTCCAGCACTACTGGAGGAGACAGCTGTGGCAGAGA[C>G]ACCCATGAAAGGATTCCCTTGGCTCAGGATCTCCTGGCTCTTGGAGACTTGCAAAAGTCC-3'
Protein context (NP_001164100.1, residues 128-148): ILSQGNPFMG[Val138Leu]SATAVSSSSA

ClinVar aggregate classification (germline): Conflicting classifications of pathogenicity. Review status: criteria provided, conflicting classifications (1 of 4 stars). 4 submissions from 4 submitters: Uncertain significance (3); Likely benign (1). Last evaluated 2025-11-05.

Conditions:
Inborn genetic diseases. Identifiers: MedGen C0950123, MeSH D030342.
Intellectual developmental disorder with autism and macrocephaly. Also called: CHD8-Related Neurodevelopmental Disorder with Overgrowth; Autism, susceptibility to, 18. Identifiers: Orphanet 642675, MedGen C3554373, MONDO:0014017, OMIM 615032.

Allele frequency attached by ClinVar (database versions not stated): gnomAD exomes below 0.00001; TOPMed below 0.00001; ExAC 0.00001; gnomAD 0.00001.
gnomAD v4.1: 15 of 1,598,658 alleles (0.00094%); highest among the groups gnomAD compares: Middle Eastern, 0.049%; no homozygotes.

Submissions (4):

Ambry Genetics
Classification: Uncertain significance for Inborn genetic diseases. Last evaluated: 2025-11-05. Review status: criteria provided, single submitter. Criteria: Ambry Variant Classification Scheme 2023. Collection method: clinical testing. Allele origin: germline.

Labcorp Genetics (formerly Invitae), Labcorp
Classification: Likely benign. Last evaluated: 2025-08-18. Review status: criteria provided, single submitter. Criteria: Invitae Variant Classification Sherloc (09022015). Collection method: clinical testing. Allele origin: germline.

Baylor Genetics
Classification: Uncertain significance for Intellectual developmental disorder with autism and macrocephaly. Last evaluated: 2019-09-06. Review status: criteria provided, single submitter. Criteria: ACMG Guidelines, 2015. Collection method: clinical testing. Allele origin: unknown. Affected: yes.
Comment: This variant was determined to be of uncertain significance according to ACMG Guidelines, 2015 [PMID:25741868].

Breakthrough Genomics
Classification: Uncertain significance. Review status: criteria provided, single submitter. Criteria: ACMG Guidelines, 2015. Collection method: not provided. Allele origin: germline. Inheritance: Autosomal dominant inheritance. Affected: yes.